The following is an entry in ClinVar:

ClinVar aggregate classification (germline): Pathogenic. Review status: criteria provided, multiple submitters, no conflicts (2 of 4 stars). 2 submissions from 2 submitters: Pathogenic (2). Last evaluated 2025-05-25.

Conditions:
Hereditary cancer-predisposing syndrome. Also called: Tumor predisposition; Hereditary Cancer Syndrome; Hereditary neoplastic syndrome; Neoplastic Syndromes, Hereditary. Identifiers: Orphanet 140162, MedGen C0027672, MeSH D009386, MONDO:0015356.
Multiple endocrine neoplasia, type 1 (MEN1). Also called: WERMER SYNDROME; Endocrine adenomatosis multiple; MEN 1; MEA I; MEN I. Identifiers: Orphanet 652, MedGen C0025267, MeSH D018761, MONDO:0007540, OMIM 131100.

Submissions (2):

Ambry Genetics
Classification: Pathogenic for Hereditary cancer-predisposing syndrome. Last evaluated: 2025-05-25. Review status: criteria provided, single submitter. Criteria: Ambry Variant Classification Scheme 2023. Collection method: clinical testing. Allele origin: germline.
Comment: The p.M1? pathogenic mutation (also known as c.2T>A) is located in coding exon 1 of the MEN1 gene and results from a T to A substitution at nucleotide position 2. This alters the methionine residue at the initiation codon (ATG). This mutation and different substitutions impacting the same initiation codon (c.1A>G, c.1A>T, and c.2T>G) have been detected in individuals with features or clinical diagnoses of multiple endocrine neoplasia type 1 and familial isolated hyperparathyroidism (Ambry internal data; Remde H et al Endocrinol Diabetes Metab Case Rep 2015 Feb;2015; Yavropoulou MP et al J Clin Med 2022 Apr;11(7)). This variant is considered to be rare based on population cohorts in the Genome Aggregation Database (gnomAD). In addition to the clinical data presented in the literature, sequence variations that modify the initiation codon are expected to result in either loss of translation initiation, N-terminal truncation, or cause a shift in the mRNA reading frame. Based on the supporting evidence, this alteration is interpreted as a disease-causing mutation.

Labcorp Genetics (formerly Invitae), Labcorp
Classification: Pathogenic for Multiple endocrine neoplasia, type 1. Last evaluated: 2022-01-13. Review status: criteria provided, single submitter. Criteria: Invitae Variant Classification Sherloc (09022015). Collection method: clinical testing. Allele origin: germline.
Comment: This sequence change affects the initiator methionine of the MEN1 mRNA. The next in-frame methionine is located at codon 228. This variant is not present in population databases (gnomAD no frequency). Disruption of the initiator codon has been observed in individuals with multiple endocrine neoplasia type 1 (PMID: 28736585, 29036195; Invitae). Algorithms developed to predict the effect of sequence changes on RNA splicing suggest that this variant may create or strengthen a splice site. For these reasons, this variant has been classified as Pathogenic.

Literature cited by the submitters: PubMed 28736585 (cited by Labcorp Genetics (formerly Invitae), Labcorp); PubMed 29036195 (cited by Labcorp Genetics (formerly Invitae), Labcorp).

NM_001370259.2(MEN1):c.2T>A (p.Met1Lys)

Gene: MEN1 (menin 1; minus strand). Cytogenetic location: 11q13.1.
Variant type: single nucleotide variant.
Coding change: c.2T>A on transcript NM_001370259.2 (MANE Select); coding-DNA position 2, T replaced by A.
Protein change: p.Met1Lys; changes the start codon (methionine 1).
Molecular consequence: missense variant, initiator codon variant.
Genome position (GRCh38, 1-based): chr11:64,810,108, A>T on the plus strand (T>A on the coding strand, the complement: MEN1 is on the minus strand). VCF-style: chr11-64810108-A-T. GRCh37 (hg19) VCF-style: chr11-64577580-A-T.
Other names: c.2T>A, p.Met1Lys (NM_000244.4, NM_001370251.2, NM_001370260.2 and 20 more transcripts); short protein forms M1K.
Identifiers: ClinVar variation 2137156 (VCV002137156.6), dbSNP rs2497292377, ClinGen allele CA381188343.